The following is an entry in ClinVar:

ClinVar aggregate classification (germline): Uncertain significance (1 of 4 stars; one submission).

gnomAD v4.1: 4 of 1,613,990 alleles (0.00025%); highest among the groups gnomAD compares: Non-Finnish European, 0.00034%; no homozygotes.

Submission:

CeGaT Center for Human Genetics Tuebingen
Classification: Uncertain significance. Last evaluated: 2026-07-01. Review status: criteria provided, single submitter. Criteria: CeGaT Center For Human Genetics Tuebingen Variant Classification Criteria Version 2. Collection method: clinical testing. Allele origin: germline. Affected: yes. Observed: 1 variant allele.
Comment: VPS11: PM2, PP3

NM_021729.6(VPS11):c.376C>G (p.Pro126Ala)

Gene: VPS11 (VPS11 core subunit of CORVET and HOPS complexes; plus strand). Cytogenetic location: 11q23.3.
Variant type: single nucleotide variant.
Coding change: c.376C>G on transcript NM_021729.6 (MANE Select); coding-DNA position 376, C replaced by G.
Protein change: p.Pro126Ala; replaces proline 126 with alanine.
Molecular consequence: missense variant. On other transcripts: non-coding transcript variant (7).
Genome position (GRCh38, 1-based): chr11:119,069,481, C>G. VCF-style: chr11-119069481-C-G. GRCh37 (hg19) VCF-style: chr11-118940191-C-G.
Other names: c.346C>G, p.Pro116Ala (NM_001290185.2); c.388C>G, p.Pro130Ala (NM_001378218.1); c.376C>G, p.Pro126Ala (NM_001378219.1, NM_001378220.1); c.358C>G, p.Pro120Ala (NM_001378221.1); short protein forms P116A, P120A, P126A, P130A.
Identifiers: ClinVar variation 5039173 (VCV005039173.1).